The following is an entry in ClinVar:

ClinVar aggregate classification (germline): Uncertain significance (1 of 4 stars; one submission).

Conditions:
Inborn genetic diseases. Identifiers: MedGen C0950123, MeSH D030342.

Submission:

Ambry Genetics
Classification: Uncertain significance for Inborn genetic diseases. Last evaluated: 2026-08-01. Review status: criteria provided, single submitter. Criteria: Ambry Variant Classification Scheme 2023. Collection method: clinical testing. Allele origin: germline.
Comment: The p.I1242L variant (also known as c.3724A>C), located in coding exon 37 of the FANCA gene, results from an A to C substitution at nucleotide position 3724. The isoleucine at codon 1242 is replaced by leucine, an amino acid with highly similar properties. This amino acid position is conserved. In addition, this alteration is predicted to be tolerated by in silico analysis. Based on the available evidence, the clinical significance of this variant remains unclear.

NM_000135.4(FANCA):c.3724A>C (p.Ile1242Leu)

Gene: FANCA (FA complementation group A; minus strand). Cytogenetic location: 16q24.3.
Variant type: single nucleotide variant.
Coding change: c.3724A>C on transcript NM_000135.4 (MANE Select); coding-DNA position 3724, A replaced by C.
Protein change: p.Ile1242Leu; replaces isoleucine 1242 with leucine.
Molecular consequence: missense variant.
Genome position (GRCh38, 1-based): chr16:89,742,841, T>G on the plus strand (A>C on the coding strand, the complement: FANCA is on the minus strand). VCF-style: chr16-89742841-T-G. GRCh37 (hg19) VCF-style: chr16-89809249-T-G.
Other names: c.3724A>C, p.Ile1242Leu (NM_001286167.3); short protein forms I1242L.
Identifiers: ClinVar variation 5036389 (VCV005036389.1).